The following is an entry in ClinVar:

ClinVar aggregate classification (germline): Uncertain significance. Review status: criteria provided, multiple submitters, no conflicts (2 of 4 stars). 2 submissions from 2 submitters: Uncertain significance (2). Last evaluated 2023-12-20.

Conditions:
Inborn genetic diseases. Identifiers: MedGen C0950123, MeSH D030342.
Holoprosencephaly 5 (HPE5). Identifiers: Orphanet 2162, MedGen C1864827, MONDO:0012322, OMIM 609637.

Allele frequency attached by ClinVar (database versions not stated): gnomAD 0.00001; gnomAD exomes 0.00002; 1000 Genomes Project 30x 0.00016.

Submissions (2):

Ambry Genetics
Classification: Uncertain significance for Inborn genetic diseases. Last evaluated: 2023-12-20. Review status: criteria provided, single submitter. Criteria: Ambry Variant Classification Scheme 2023. Collection method: clinical testing. Allele origin: germline.

Labcorp Genetics (formerly Invitae), Labcorp
Classification: Uncertain significance for Holoprosencephaly 5. Last evaluated: 2022-05-24. Review status: criteria provided, single submitter. Criteria: Invitae Variant Classification Sherloc (09022015). Collection method: clinical testing. Allele origin: germline.
Comment: In summary, the available evidence is currently insufficient to determine the role of this variant in disease. Therefore, it has been classified as a Variant of Uncertain Significance. Algorithms developed to predict the effect of sequence changes on RNA splicing suggest that this variant may create or strengthen a splice site. Algorithms developed to predict the effect of missense changes on protein structure and function are either unavailable or do not agree on the potential impact of this missense change (SIFT: "Deleterious"; PolyPhen-2: "Not Available"; Align-GVGD: "Class C0"). This variant has not been reported in the literature in individuals affected with ZIC2-related conditions. The frequency data for this variant in the population databases is considered unreliable, as metrics indicate insufficient coverage at this position in the gnomAD database. This sequence change replaces glycine, which is neutral and non-polar, with valine, which is neutral and non-polar, at codon 481 of the ZIC2 protein (p.Gly481Val).

NM_007129.5(ZIC2):c.1442G>T (p.Gly481Val)

Gene: ZIC2 (Zic family zinc finger 2; plus strand). Cytogenetic location: 13q32.3.
Variant type: single nucleotide variant.
Coding change: c.1442G>T on transcript NM_007129.5 (MANE Select); coding-DNA position 1442, G replaced by T.
Protein change: p.Gly481Val; replaces glycine 481 with valine.
Molecular consequence: missense variant.
Genome position (GRCh38, 1-based): chr13:99,985,525, G>T. VCF-style: chr13-99985525-G-T. GRCh37 (hg19) VCF-style: chr13-100637779-G-T.
Other names: c.1442G>T (NM_007129.3); short protein forms G481V.
Identifiers: ClinVar variation 2085376 (VCV002085376.5), dbSNP rs2053262200, ClinGen allele CA388639571.